The following is an entry in ClinVar:

NM_001267550.2(TTN):c.26949A>T (p.Leu8983Phe)

Gene: TTN (titin; minus strand). Cytogenetic location: 2q31.2.
Variant type: single nucleotide variant.
Coding change: c.26949A>T on transcript NM_001267550.2 (MANE Select); coding-DNA position 26949, A replaced by T.
Protein change: p.Leu8983Phe; replaces leucine 8983 with phenylalanine.
Molecular consequence: missense variant. On other transcripts: intron variant (3).
Genome position (GRCh38, 1-based): chr2:178,713,185, T>A on the plus strand (A>T on the coding strand, the complement: TTN is on the minus strand). VCF-style: chr2-178713185-T-A. GRCh37 (hg19) VCF-style: chr2-179577912-T-A.
Other names: c.25998A>T, p.Leu8666Phe (NM_001256850.1); c.23217A>T, p.Leu7739Phe (NM_133378.4); c.13282+24897A>T (NM_003319.4); c.13858+24897A>T (NM_133437.4); c.13657+24897A>T (NM_133432.3); short protein forms L7739F, L8666F, L8983F.
Identifiers: ClinVar variation 1174674 (VCV001174674.12), dbSNP rs878969676, ClinGen allele CA60966326.

ClinVar aggregate classification (germline): Uncertain significance. Review status: criteria provided, multiple submitters, no conflicts (2 of 4 stars). 8 submissions from 8 submitters: Uncertain significance (4). 4 of the submissions do not count toward it. Last evaluated 2023-09-22.

Conditions:
Myopathy, myofibrillar, 9, with early respiratory failure (MFM9). Also called: EDSTROM MYOPATHY; MYOPATHY, PROXIMAL, WITH EARLY RESPIRATORY MUSCLE INVOLVEMENT; Hereditary myopathy with early respiratory failure; Myopathy, distal, with early respiratory failure, autosomal dominant. Identifiers: Orphanet 178464, Orphanet 34521, MedGen C1863599, MONDO:0011362, OMIM 603689.
Hypertrophic cardiomyopathy 9. Also called: Familial hypertrophic cardiomyopathy 9. Identifiers: MedGen C1861065, MONDO:0013412, OMIM 613765.
Dilated cardiomyopathy 1G (CMD1G). Identifiers: Orphanet 154, MedGen C1858763, MONDO:0011400, OMIM 604145.
Tibial muscular dystrophy (TMD). Also called: Udd Distal Myopathy – Tibial Muscular Dystrophy; UDD MYOPATHY; Tibial muscular dystrophy, tardive. Identifiers: Orphanet 609, MedGen C1838244, MONDO:0010870, OMIM 600334.
Early-onset myopathy with fatal cardiomyopathy (CMYO5). Also called: Salih Myopathy; CONGENITAL MYOPATHY 5 WITH CARDIOMYOPATHY. Identifiers: Orphanet 289377, MedGen C2673677, MONDO:0012714, OMIM 611705. Disease mechanism: loss of function.
Autosomal recessive limb-girdle muscular dystrophy type 2J (LGMDR10). Also called: Limb-girdle muscular dystrophy, type 2J; MUSCULAR DYSTROPHY, LIMB-GIRDLE, AUTOSOMAL RECESSIVE 10. Identifiers: Orphanet 140922, MedGen C1837342, MONDO:0012127, OMIM 608807.

Allele frequency attached by ClinVar (database versions not stated): gnomAD exomes below 0.00001 and 0.00001.
gnomAD v4.1: 10 of 1,613,776 alleles (0.00062%); highest among the groups gnomAD compares: Non-Finnish European, 0.00085%; no homozygotes.

Submissions (8):

GeneDx
Classification: Uncertain significance. Last evaluated: 2023-09-22. Review status: criteria provided, single submitter. Criteria: GeneDx Variant Classification Process June 2021. Collection method: clinical testing. Allele origin: germline. Affected: yes.
Comment: Not observed at significant frequency in large population cohorts (gnomAD); Missense variant in a gene in which most reported pathogenic variants are truncating/loss of function; Has not been previously published as pathogenic or benign to our knowledge

Fulgent Genetics
Classification: Uncertain significance for Tibial muscular dystrophy; Myopathy, myofibrillar, 9, with early respiratory failure; Dilated cardiomyopathy 1G; Autosomal recessive limb-girdle muscular dystrophy type 2J; Early-onset myopathy with fatal cardiomyopathy; Hypertrophic cardiomyopathy 9. Last evaluated: 2022-04-05. Review status: criteria provided, single submitter. Criteria: ACMG Guidelines, 2015. Collection method: clinical testing. Allele origin: unknown.

Athena Diagnostics
Classification: Uncertain significance. Last evaluated: 2021-07-29. Review status: criteria provided, single submitter. Criteria: Athena Diagnostics Criteria. Collection method: clinical testing. Allele origin: unknown.

Revvity Omics, Revvity
Classification: Uncertain significance. Last evaluated: 2020-09-02. Review status: criteria provided, single submitter. Criteria: ACMG Guidelines, 2015. Collection method: clinical testing. Allele origin: germline.

Clinical Genetics DNA and cytogenetics Diagnostics Lab, Erasmus MC, Erasmus Medical Center
Classification: Uncertain significance. Review status: no assertion criteria provided. Collection method: clinical testing. Allele origin: germline. Affected: yes. Study: VKGL Data-share Consensus. Not counted in ClinVar's aggregate classification.

Clinical Genetics, Academic Medical Center
Classification: Uncertain significance. Review status: no assertion criteria provided. Collection method: clinical testing. Allele origin: germline. Affected: yes. Study: VKGL Data-share Consensus. Not counted in ClinVar's aggregate classification.

Diagnostic Laboratory, Department of Genetics, University Medical Center Groningen
Classification: Uncertain significance. Review status: no assertion criteria provided. Collection method: clinical testing. Allele origin: germline. Affected: yes. Study: VKGL Data-share Consensus. Not counted in ClinVar's aggregate classification.

Laboratory of Diagnostic Genome Analysis, Leiden University Medical Center (LUMC)
Classification: Uncertain significance. Review status: no assertion criteria provided. Collection method: clinical testing. Allele origin: germline. Affected: yes. Study: VKGL Data-share Consensus. Not counted in ClinVar's aggregate classification.